The following is an entry in ClinVar:

ClinVar aggregate classification (germline): Pathogenic (1 of 4 stars; one submission).

Submission:

ISCA site 4
Classification: Pathogenic. Last evaluated: 2011-08-12. Review status: criteria provided, single submitter. Criteria: Kaminsky et al. (Genet Med. 2011). Collection method: clinical testing. Allele origin: unknown. Affected: yes. Observed: 1 variant allele.
Comment: Copy number variation identified through the course of routine clinical cytogenomic testing in postnatal populations. Clinical assertions have been curated as described in Kaminsky et al. 2011.

GRCh37/hg19 21q22.1-22.3(chr21:35527952-44298520)x1

Genes: ABCG1 (ATP binding cassette subfamily G member 1; plus strand), B3GALT5 (beta-1,3-galactosyltransferase 5; plus strand), BACE2 (beta-secretase 2; plus strand), BRWD1 (bromodomain and WD repeat domain containing 1; minus strand), C2CD2 (C2 calcium dependent domain containing 2; minus strand) and 53 more. Cytogenetic location: 21q22.1-22.3.
Variant type: copy number loss.
Change: copy number 1 (one copy instead of two) of chr21:35,527,952-44,298,520 (8.77 Mb, GRCh37 coordinates, 1-based), cytogenetic band 21q22.1-22.3.
Identifiers: ClinVar variation 59013 (VCV000059013.1).